The following is an entry in ClinVar:

ClinVar aggregate classification (germline): Pathogenic (1 of 4 stars; one submission).

Submission:

Labcorp Genetics (formerly Invitae), Labcorp
Classification: Pathogenic. Last evaluated: 2020-11-11. Review status: criteria provided, single submitter. Criteria: Invitae Variant Classification Sherloc (09022015). Collection method: clinical testing. Allele origin: germline.
Comment: This sequence change creates a premature translational stop signal (p.Arg575Profs*37) in the ZNF341 gene. It is expected to result in an absent or disrupted protein product. Loss-of-function variants in ZNF341 are known to be pathogenic (PMID: 29907690, 29907691). This variant is not present in population databases (ExAC no frequency). This variant has not been reported in the literature in individuals with ZNF341-related conditions. For these reasons, this variant has been classified as Pathogenic.

Literature cited by the submitters: PubMed 29907690; PubMed 29907691.

NM_001282933.2(ZNF341):c.1745_1746del (p.Arg582fs)

Gene: ZNF341 (zinc finger protein 341; plus strand). Cytogenetic location: 20q11.22.
Variant type: Deletion.
Coding change: c.1745_1746del on transcript NM_001282933.2 (MANE Select); coding-DNA positions 1745 to 1746, 2 bases deleted (GG; older notation c.1745_1746delGG).
Protein change: p.Arg582fs; shifts the reading frame from arginine 582.
Molecular consequence: frameshift variant. On other transcripts: non-coding transcript variant (1).
Genome position (GRCh38, 1-based): chr20:33,783,757-33,783,758, GG deleted. VCF-style (leftmost placement, unchanged base first): chr20-33783756-CGG-C. GRCh37 (hg19) VCF-style: chr20-32371562-CGG-C.
Other names: c.1475_1476del, p.Arg492fs (NM_001282935.2); c.1724_1725del, p.Arg575fs (NM_032819.5); short protein forms R492fs, R575fs, R582fs.
Identifiers: ClinVar variation 1455945 (VCV001455945.6), dbSNP rs2122731441, ClinGen allele CA2573156993.